The following is an entry in ClinVar:

NM_001105206.3(LAMA4):c.2603C>T (p.Pro868Leu)

Gene: LAMA4 (laminin subunit alpha 4; minus strand). Cytogenetic location: 6q21.
Variant type: single nucleotide variant.
Coding change: c.2603C>T on transcript NM_001105206.3 (MANE Select); coding-DNA position 2603, C replaced by T.
Protein change: p.Pro868Leu; replaces proline 868 with leucine.
Molecular consequence: missense variant.
Genome position (GRCh38, 1-based): chr6:112,142,183, G>A on the plus strand (C>T on the coding strand, the complement: LAMA4 is on the minus strand). VCF-style: chr6-112142183-G-A. GRCh37 (hg19) VCF-style: chr6-112463385-G-A.
Other names: c.2582C>T, p.Pro861Leu (NM_001105207.3, NM_002290.5); short protein forms P868L, P861L.
Identifiers: ClinVar variation 1793391 (VCV001793391.2), dbSNP rs368543835, ClinGen allele CA365381751.

ClinVar aggregate classification (germline): Uncertain significance (1 of 4 stars; one submission).

Conditions:
Cardiovascular phenotype. Identifiers: MedGen CN230736.

gnomAD v4.1: 2 of 1,613,984 alleles (0.00012%); highest among the groups gnomAD compares: African/African-American, 0.0013%; no homozygotes.

Submission:

Ambry Genetics
Classification: Uncertain significance for Cardiovascular phenotype. Last evaluated: 2022-08-30. Review status: criteria provided, single submitter. Criteria: Ambry Variant Classification Scheme 2023. Collection method: clinical testing. Allele origin: germline.
Comment: The p.P861L variant (also known as c.2582C>T), located in coding exon 19 of the LAMA4 gene, results from a C to T substitution at nucleotide position 2582. The proline at codon 861 is replaced by leucine, an amino acid with similar properties. This amino acid position is conserved. In addition, this alteration is predicted to be tolerated by in silico analysis. Since supporting evidence is limited at this time, the clinical significance of this alteration remains unclear.